The following is an entry in ClinVar:

ClinVar aggregate classification (germline): Uncertain significance (1 of 4 stars; one submission).

Conditions:
Hereditary cancer-predisposing syndrome. Also called: Tumor predisposition; Neoplastic Syndromes, Hereditary; Hereditary Cancer Syndrome; Hereditary neoplastic syndrome. Identifiers: Orphanet 140162, MedGen C0027672, MeSH D009386, MONDO:0015356.

Submission:

Ambry Genetics
Classification: Uncertain significance for Hereditary cancer-predisposing syndrome. Last evaluated: 2019-11-04. Review status: criteria provided, single submitter. Criteria: Ambry Variant Classification Scheme 2023. Collection method: clinical testing. Allele origin: germline.
Comment: The c.117_121delGCCCGinsAA variant (also known as p.P40_A41delinsT), located in coding exon 1 of the CDKN2A gene, results from an in-frame deletion of GCCCG and insertion of AA at nucleotide positions 117 to 121. This results in the substitution of proline and alanine residues for a threonine residue at codon 40. This amino acid region is well conserved in available vertebrate species. In addition, this alteration is predicted to be deleterious by in silico analysis (Choi Y et al. PLoS ONE. 2012;7:e46688). Since supporting evidence is limited at this time, the clinical significance of this alteration remains unclear.

NM_058195.4(CDKN2A):c.117_121delinsAA (p.Pro40_Ala41delinsThr)

Gene: CDKN2A (cyclin dependent kinase inhibitor 2A; minus strand). Cytogenetic location: 9p21.3.
Variant type: Indel.
Coding change: c.117_121delinsAA on transcript NM_058195.4 (MANE Plus Clinical); coding-DNA positions 117 to 121, GCCCG replaced by AA.
Protein change: p.Pro40_Ala41delinsThr.
Molecular consequence: inframe indel. On other transcripts: intron variant (1).
Genome position (GRCh38, 1-based): chr9:21,994,211-21,994,215, CGGGC replaced by TT on the plus strand (GCCCG replaced by AA on the coding strand, the reverse complement: CDKN2A is on the minus strand). VCF-style: chr9-21994211-CGGGC-TT. GRCh37 (hg19) VCF-style: chr9-21994210-CGGGC-TT.
Other names: c.-4+606_-4+610delinsAA (NM_001363763.2).
Identifiers: ClinVar variation 818489 (VCV000818489.6), dbSNP rs1587358374, ClinGen allele CA915947464.
Genomic context (GRCh38, chr9:21,994,211, plus strand): 5'-GAAGCGGCTGCTGCCCTAGACGCTGGCTCCTCAGTAGCATCAGCACGAGGGCCACAGCGG[CGGGC>TT]GCCCCTGGCGCTGCCCACTCCCCCGTGAGCCGCGGGATGTGAACCACGAAAACCCTCACT-3'